The following is an entry in ClinVar:

ClinVar aggregate classification (germline): Benign/Likely benign. Review status: criteria provided, multiple submitters, no conflicts (2 of 4 stars). 11 submissions from 11 submitters: Benign (8); Likely benign (1). 2 of the submissions do not count toward it. Last evaluated 2026-02-04.

Conditions:
Familial hemophagocytic lymphohistiocytosis 5. Also called: STXBP2-Related Familial Hemophagocytic Lymphohistiocytosis (STXBP2-fHLH). Identifiers: Orphanet 540, MedGen C2751293, MONDO:0013135, OMIM 613101.

Allele frequency attached by ClinVar (database versions not stated): gnomAD exomes 0.62505 and 0.63447; ExAC 0.63516; ESP Exome Variant Server 0.66731; gnomAD 0.67301 and 0.67805; TOPMed 0.67762; 1000 Genomes Project 30x 0.70347; 1000 Genomes Project 0.70607.
gnomAD v4.1: 1,016,162 of 1,613,250 alleles (63%); highest among the groups gnomAD compares: East Asian, 85%; 324,031 homozygotes.

Submissions (11):

Labcorp Genetics (formerly Invitae), Labcorp
Classification: Benign for Familial hemophagocytic lymphohistiocytosis 5. Last evaluated: 2026-02-04. Review status: criteria provided, single submitter. Criteria: Invitae Variant Classification Sherloc (09022015). Collection method: clinical testing. Allele origin: germline.

Blueprint Genetics
Classification: Likely benign. Last evaluated: 2024-11-28. Review status: criteria provided, single submitter. Criteria: ACMG Guidelines, 2015. Collection method: clinical testing. Allele origin: germline.

Unidad de Genómica Garrahan, Hospital de Pediatría Garrahan
Classification: Benign. Last evaluated: 2023-11-12. Review status: criteria provided, single submitter. Criteria: ACMG Guidelines, 2015. Collection method: clinical testing. Allele origin: germline. Affected: no. Observed: 83 variant alleles.
Comment: This variant is classified as Benign based on local population frequency. This variant was detected in 86% of patients studied by a panel of primary immunodeficiencies. Number of patients: 83. Only high quality variants are reported.

Mayo Clinic Laboratories, Mayo Clinic
Classification: Benign. Last evaluated: 2022-09-29. Review status: criteria provided, single submitter. Criteria: ACMG Guidelines, 2015. Collection method: clinical testing. Allele origin: germline. Observed: 1,366 variant alleles.

Genome-Nilou Lab
Classification: Benign for Familial hemophagocytic lymphohistiocytosis 5. Last evaluated: 2021-07-15. Review status: criteria provided, single submitter. Criteria: ACMG Guidelines, 2015. Collection method: clinical testing. Allele origin: germline. Affected: no.

Laboratory for Molecular Medicine, Mass General Brigham Personalized Medicine
Classification: Benign. Last evaluated: 2016-03-29. Review status: criteria provided, single submitter. Criteria: LMM Criteria. Collection method: clinical testing. Allele origin: germline.
Comment: Variant identified in a genome or exome case(s) and assessed due to predicted null impact of the variant or pathogenic assertions in the literature or databases. Disclaimer: This variant has not undergone full assessment. The following are preliminary notes: Frequency

Genome Diagnostics Laboratory, University Medical Center Utrecht
Classification: Benign for Familial hemophagocytic lymphohistiocytosis 5. Last evaluated: 2015-12-09. Review status: criteria provided, single submitter. Criteria: ACGS Guidelines, 2013. Collection method: clinical testing. Allele origin: germline. Affected: yes. Study: VKGL Data-share Consensus.

Breakthrough Genomics
Classification: Benign. Review status: criteria provided, single submitter. Criteria: ACMG Guidelines, 2015. Collection method: not provided. Allele origin: germline. Inheritance: Autosomal recessive inheritance. Affected: yes.

PreventionGenetics, part of Exact Sciences
Classification: Benign. Review status: criteria provided, single submitter. Criteria: ACMG Guidelines, 2015. Collection method: clinical testing. Allele origin: germline.

Diagnostic Laboratory, Department of Genetics, University Medical Center Groningen
Classification: Benign for Familial hemophagocytic lymphohistiocytosis 5. Review status: no assertion criteria provided. Collection method: clinical testing. Allele origin: germline. Affected: yes. Study: VKGL Data-share Consensus. Not counted in ClinVar's aggregate classification.

Joint Genome Diagnostic Labs from Nijmegen and Maastricht, Radboudumc and MUMC+
Classification: Benign. Review status: no assertion criteria provided. Collection method: clinical testing. Allele origin: germline. Affected: yes. Study: VKGL Data-share Consensus. Not counted in ClinVar's aggregate classification.

NM_006949.4(STXBP2):c.1576A>G (p.Ile526Val)

Gene: STXBP2 (syntaxin binding protein 2; plus strand). Cytogenetic location: 19p13.2.
Variant type: single nucleotide variant.
Coding change: c.1576A>G on transcript NM_006949.4 (MANE Select); coding-DNA position 1576, A replaced by G.
Protein change: p.Ile526Val; replaces isoleucine 526 with valine.
Molecular consequence: missense variant. On other transcripts: non-coding transcript variant (1).
Genome position (GRCh38, 1-based): chr19:7,647,391, A>G. VCF-style: chr19-7647391-A-G. GRCh37 (hg19) VCF-style: chr19-7712277-A-G.
Other names: c.1567A>G, p.Ile523Val (NM_001127396.3); c.1609A>G, p.Ile537Val (NM_001272034.2); short protein forms I526V, I537V, I523V.
Identifiers: ClinVar variation 260094 (VCV000260094.28), dbSNP rs6791, ClinGen allele CA9144261.
Genomic context (GRCh38, chr19:7,647,391, plus strand): 5'-CTTTCTGCCCCTGCCCTGCACAGTGCCCGCTTCGGTCACTGGCACAAGAACAAGGCTGGC[A>G]TAGAAGCCCGGGCGGGCCCCCGGCTCATCGTGTATGTCATGGGCGGTGTGGCCATGTCAG-3'
Protein context (NP_008880.2, residues 516-536): FGHWHKNKAG[Ile526Val]EARAGPRLIV